The following is an entry in ClinVar:

NM_007294.4(BRCA1):c.4438T>C (p.Ser1480Pro)

Gene: BRCA1 (BRCA1 DNA repair associated; minus strand). Cytogenetic location: 17q21.31.
Variant type: single nucleotide variant.
Coding change: c.4438T>C on transcript NM_007294.4 (MANE Select); coding-DNA position 4438, T replaced by C.
Protein change: p.Ser1480Pro; replaces serine 1480 with proline.
Molecular consequence: missense variant. On other transcripts: non-coding transcript variant (1).
Genome position (GRCh38, 1-based): chr17:43,076,534, A>G on the plus strand (T>C on the coding strand, the complement: BRCA1 is on the minus strand). VCF-style: chr17-43076534-A-G. GRCh37 (hg19) VCF-style: chr17-41228551-A-G.
Other names: c.985T>C, p.Ser329Pro (NM_001408458.1, NM_001408459.1, NM_001408460.1 and 7 more transcripts); c.1003T>C, p.Ser335Pro (NM_001408444.1, NM_001408432.1, NM_001408433.1 and 10 more transcripts); c.1000T>C, p.Ser334Pro (NM_001408445.1, NM_001408446.1, NM_001408447.1 and 2 more transcripts); c.988T>C, p.Ser330Pro (NM_001408453.1, NM_001408454.1, NM_001408455.1 and 3 more transcripts); c.994T>C, p.Ser332Pro (NM_001408451.1); c.4225T>C, p.Ser1409Pro (NM_001407571.1, NM_001407894.1, NM_001407895.1 and 12 more transcripts); c.4504T>C, p.Ser1502Pro (NM_001407581.1, NM_001407582.1); c.4501T>C, p.Ser1501Pro (NM_001407583.1, NM_001407585.1, NM_001407587.1 and 1 more transcripts); and 68 more; short protein forms S1433P, S376P, S1501P, S1480P, S1353P, S1369P, S1411P, S1413P.
Identifiers: ClinVar variation 945255 (VCV000945255.11), dbSNP rs2052727249, ClinGen allele CA10592659.
Genomic context (GRCh38, chr17:43,076,534, plus strand): 5'-TTGATGTTTCTTACCTTTCCACTCCTGGTTCTTTATTTTTACTGGTAGAACTATCTGCAG[A>G]CACCTCAAACTTGTCAGCAGAAAGGCCTTCTGGATTCTGGCTTATAGGGTATTCACTACT-3'
Protein context (NP_009225.1, residues 1470-1490): EGLSADKFEV[Ser1480Pro]ADSSTSKNKE

ClinVar aggregate classification (germline): Uncertain significance (1 of 4 stars; one submission).

Conditions:
Hereditary breast ovarian cancer syndrome. Also called: Hereditary breast and ovarian cancer syndrome (HBOC); Hereditary breast and ovarian cancer; Breast and ovarian cancer; BRCA1- and BRCA2-Associated Hereditary Breast and Ovarian Cancer; Hereditary breast and ovarian cancer syndrome; Hereditary breast and/or ovarian cancer syndrome. Identifiers: Orphanet 145, MedGen C0677776, MeSH D061325, MONDO:0003582. Disease mechanism: loss of function.

Submission:

Labcorp Genetics (formerly Invitae), Labcorp
Classification: Uncertain significance for Hereditary breast ovarian cancer syndrome. Last evaluated: 2019-06-24. Review status: criteria provided, single submitter. Criteria: Invitae Variant Classification Sherloc (09022015). Collection method: clinical testing. Allele origin: germline.
Comment: This sequence change replaces serine with proline at codon 1480 of the BRCA1 protein (p.Ser1480Pro). The serine residue is weakly conserved and there is a moderate physicochemical difference between serine and proline. This variant is not present in population databases (ExAC no frequency). In summary, the available evidence is currently insufficient to determine the role of this variant in disease. Therefore, it has been classified as a Variant of Uncertain Significance. Algorithms developed to predict the effect of missense changes on protein structure and function output the following: SIFT: "Tolerated"; PolyPhen-2: "Benign"; Align-GVGD: "Class C0". The proline amino acid residue is found in multiple mammalian species, suggesting that this missense change does not adversely affect protein function. These predictions have not been confirmed by published functional studies and their clinical significance is uncertain. This variant has not been reported in the literature in individuals with BRCA1-related conditions.